The following is an entry in ClinVar:

NM_018297.4(NGLY1):c.1232G>A (p.Arg411Gln)

Gene: NGLY1 (N-glycanase 1; minus strand). Cytogenetic location: 3p24.2.
Variant type: single nucleotide variant.
Coding change: c.1232G>A on transcript NM_018297.4 (MANE Select); coding-DNA position 1232, G replaced by A.
Protein change: p.Arg411Gln; replaces arginine 411 with glutamine.
Molecular consequence: missense variant.
Genome position (GRCh38, 1-based): chr3:25,733,900, C>T on the plus strand (G>A on the coding strand, the complement: NGLY1 is on the minus strand). VCF-style: chr3-25733900-C-T. GRCh37 (hg19) VCF-style: chr3-25775391-C-T.
Other names: c.1178G>A, p.Arg393Gln (NM_001145293.2); c.1106G>A, p.Arg369Gln (NM_001145294.2); c.1232G>A, p.Arg411Gln (NM_001145295.2); short protein forms R411Q, R369Q, R393Q.
Identifiers: ClinVar variation 837016 (VCV000837016.7), dbSNP rs142766875, ClinGen allele CA2289223.

ClinVar aggregate classification (germline): Uncertain significance. Review status: criteria provided, multiple submitters, no conflicts (2 of 4 stars). 2 submissions from 2 submitters: Uncertain significance (2). Last evaluated 2026-02-02.

Conditions:
Congenital disorder of deglycosylation (CDDG). Identifiers: MedGen C3808991, MONDO:0031376.

Allele frequency attached by ClinVar (database versions not stated): gnomAD 0.00021; 1000 Genomes Project 30x 0.00031; 1000 Genomes Project 0.00040; ExAC 0.00007; gnomAD exomes 0.00005; ESP Exome Variant Server 0.00015; TOPMed 0.00015.
gnomAD v4.1: 82 of 1,613,588 alleles (0.0051%); highest among the groups gnomAD compares: African/African-American, 0.043%; no homozygotes.

Submissions (2):

Labcorp Genetics (formerly Invitae), Labcorp
Classification: Uncertain significance for Congenital disorder of deglycosylation. Last evaluated: 2026-02-02. Review status: criteria provided, single submitter. Criteria: Invitae Variant Classification Sherloc (09022015). Collection method: clinical testing. Allele origin: germline.
Comment: This sequence change replaces arginine, which is basic and polar, with glutamine, which is neutral and polar, at codon 411 of the NGLY1 protein (p.Arg411Gln). This variant is present in population databases (rs142766875, gnomAD 0.04%). This variant has not been reported in the literature in individuals affected with NGLY1-related conditions. ClinVar contains an entry for this variant (Variation ID: 837016). Invitae Evidence Modeling of protein sequence and biophysical properties (such as structural, functional, and spatial information, amino acid conservation, physicochemical variation, residue mobility, and thermodynamic stability) indicates that this missense variant is not expected to disrupt NGLY1 protein function with a negative predictive value of 80%. In summary, the available evidence is currently insufficient to determine the role of this variant in disease. Therefore, it has been classified as a Variant of Uncertain Significance.

GeneDx
Classification: Uncertain significance. Last evaluated: 2025-02-08. Review status: criteria provided, single submitter. Criteria: GeneDx Variant Classification Process June 2021. Collection method: clinical testing. Allele origin: germline.
Comment: In silico analysis indicates that this missense variant does not alter protein structure/function; Has not been previously published as pathogenic or benign to our knowledge